The following is an entry in ClinVar:

NM_001303457.2(TTI1):c.2763C>T (p.Asp921=)

Gene: TTI1 (TELO2 interacting protein 1; minus strand). Cytogenetic location: 20q11.23.
Variant type: single nucleotide variant.
Coding change: c.2763C>T on transcript NM_001303457.2 (MANE Select); coding-DNA position 2763, C replaced by T.
Protein change: p.Asp921=; no amino-acid change (aspartic acid 921 retained).
Molecular consequence: synonymous variant.
Genome position (GRCh38, 1-based): chr20:37,999,218, G>A on the plus strand (C>T on the coding strand, the complement: TTI1 is on the minus strand). VCF-style: chr20-37999218-G-A. GRCh37 (hg19) VCF-style: chr20-36627620-G-A.
Other names: c.2763C>T, p.Asp921= (NM_014657.3).
Identifiers: ClinVar variation 5041096 (VCV005041096.1).

ClinVar aggregate classification (germline): Likely benign (1 of 4 stars; one submission).

Submission:

CeGaT Center for Human Genetics Tuebingen
Classification: Likely benign. Last evaluated: 2026-09-01. Review status: criteria provided, single submitter. Criteria: CeGaT Center For Human Genetics Tuebingen Variant Classification Criteria Version 2. Collection method: clinical testing. Allele origin: germline. Affected: yes. Observed: 1 variant allele.
Comment: TTI1: BP4, BP7